The following is an entry in ClinVar:

NM_001130144.3(LTBP3):c.1166C>A (p.Pro389His)

Gene: LTBP3 (latent transforming growth factor beta binding protein 3; minus strand). Cytogenetic location: 11q13.1.
Variant type: single nucleotide variant.
Coding change: c.1166C>A on transcript NM_001130144.3 (MANE Select); coding-DNA position 1166, C replaced by A.
Protein change: p.Pro389His; replaces proline 389 with histidine.
Molecular consequence: missense variant.
Genome position (GRCh38, 1-based): chr11:65,552,880, G>T on the plus strand (C>A on the coding strand, the complement: LTBP3 is on the minus strand). VCF-style: chr11-65552880-G-T. GRCh37 (hg19) VCF-style: chr11-65320351-G-T.
Other names: c.815C>A, p.Pro272His (NM_001164266.1); c.1166C>A, p.Pro389His (NM_021070.4); short protein forms P272H, P389H.
Identifiers: ClinVar variation 1738213 (VCV001738213.2), dbSNP rs2496171846, ClinGen allele CA381274219.
Genomic context (GRCh38, chr11:65,552,880, plus strand): 5'-TGCCTTGTGACCTCCCAGGAACCTGAGCCCCAGGTCTCACCAATGCACTGTGTACGGGAG[G>T]GGCCTAAACTATGGCCAGGTGGGCAGACACAGCGATAGGAGCCAGGGTTGTTGAGGCAGT-3'
Protein context (NP_001123616.1, residues 379-399): CVCPPGHSLG[Pro389His]SRTQCIADKP

ClinVar aggregate classification (germline): Uncertain significance (1 of 4 stars; one submission).

Conditions:
Inborn genetic diseases. Identifiers: MedGen C0950123, MeSH D030342.

Submission:

Ambry Genetics
Classification: Uncertain significance for Inborn genetic diseases. Last evaluated: 2022-09-13. Review status: criteria provided, single submitter. Criteria: Ambry Variant Classification Scheme 2023. Collection method: clinical testing. Allele origin: germline.
Comment: The p.P389H variant (also known as c.1166C>A), located in coding exon 6 of the LTBP3 gene, results from a C to A substitution at nucleotide position 1166. The proline at codon 389 is replaced by histidine, an amino acid with similar properties. This amino acid position is conserved. In addition, the in silico prediction for this alteration is inconclusive. Since supporting evidence is limited at this time, the clinical significance of this alteration remains unclear.